The following is an entry in ClinVar:

NM_002473.6(MYH9):c.3039G>A (p.Glu1013=)

Gene: MYH9 (myosin heavy chain 9; minus strand). Cytogenetic location: 22q12.3.
Variant type: single nucleotide variant.
Coding change: c.3039G>A on transcript NM_002473.6 (MANE Select); coding-DNA position 3039, G replaced by A.
Protein change: p.Glu1013=; no amino-acid change (glutamic acid 1013 retained).
Molecular consequence: synonymous variant.
Genome position (GRCh38, 1-based): chr22:36,298,980, C>T on the plus strand (G>A on the coding strand, the complement: MYH9 is on the minus strand). VCF-style: chr22-36298980-C-T. GRCh37 (hg19) VCF-style: chr22-36695026-C-T.
Identifiers: ClinVar variation 2975661 (VCV002975661.17), dbSNP rs755319033, ClinGen allele CA10209775.
Genomic context (GRCh38, chr22:36,298,980, plus strand): 5'-TTCCAAGTCAGTGATCATTGCCTCATGCTTGTTCTTGAGCTTGGCGAGGCTCTTAGATTT[C>T]TCCTCCTCTTCTGTGAGGTTGGTGGTGAACTCAGCTATTCTGTCTTCCAGCAGTTTCTTT-3'
Protein context (NP_002464.1, residues 1003-1023): EFTTNLTEEE[Glu1013=]KSKSLAKLKN

ClinVar aggregate classification (germline): Benign/Likely benign. Review status: criteria provided, multiple submitters, no conflicts (2 of 4 stars). 2 submissions from 2 submitters: Benign (1); Likely benign (1). Last evaluated 2025-07-10.

Allele frequency attached by ClinVar (database versions not stated): gnomAD exomes below 0.00001; ExAC 0.00002; gnomAD 0.00005; TOPMed 0.00009.
gnomAD v4.1: 12 of 1,614,168 alleles (0.00074%); highest among the groups gnomAD compares: Middle Eastern, 0.033%; no homozygotes.

Submissions (2):

Labcorp Genetics (formerly Invitae), Labcorp
Classification: Benign. Last evaluated: 2025-07-10. Review status: criteria provided, single submitter. Criteria: Invitae Variant Classification Sherloc (09022015). Collection method: clinical testing. Allele origin: germline.

CeGaT Center for Human Genetics Tuebingen
Classification: Likely benign. Last evaluated: 2024-10-01. Review status: criteria provided, single submitter. Criteria: CeGaT Center For Human Genetics Tuebingen Variant Classification Criteria Version 2. Collection method: clinical testing. Allele origin: germline. Affected: yes. Observed: 1 variant allele.
Comment: MYH9: BP4, BP7